The following is an entry in ClinVar:

NM_020708.5(SLC12A5):c.944C>T (p.Thr315Ile)

Gene: SLC12A5 (solute carrier family 12 member 5; plus strand). Cytogenetic location: 20q13.12.
Variant type: single nucleotide variant.
Coding change: c.944C>T on transcript NM_020708.5 (MANE Select); coding-DNA position 944, C replaced by T.
Protein change: p.Thr315Ile; replaces threonine 315 with isoleucine.
Molecular consequence: missense variant.
Genome position (GRCh38, 1-based): chr20:46,041,418, C>T. VCF-style: chr20-46041418-C-T. GRCh37 (hg19) VCF-style: chr20-44670057-C-T.
Other names: c.1013C>T, p.Thr338Ile (NM_001134771.2); short protein forms T338I, T315I.
Identifiers: ClinVar variation 1480418 (VCV001480418.8), dbSNP rs2145489127, ClinGen allele CA409190341.

ClinVar aggregate classification (germline): Uncertain significance (1 of 4 stars; one submission).

Conditions:
Developmental and epileptic encephalopathy, 34 (DEE34). Also called: Early infantile epileptic encephalopathy 34; SLC12A5-Related Epilepsy of Infancy with Migrating Focal Seizures. Identifiers: Orphanet 293181, MedGen C4225257, MONDO:0014718, OMIM 616645.

Allele frequency attached by ClinVar (database versions not stated): gnomAD exomes below 0.00001.
gnomAD v4.1: 1 of 1,614,172 alleles (0.000062%); highest among the groups gnomAD compares: Non-Finnish European, 0.000085%; no homozygotes.

Submission:

Labcorp Genetics (formerly Invitae), Labcorp
Classification: Uncertain significance for Developmental and epileptic encephalopathy, 34. Last evaluated: 2021-04-23. Review status: criteria provided, single submitter. Criteria: Invitae Variant Classification Sherloc (09022015). Collection method: clinical testing. Allele origin: germline.
Comment: Algorithms developed to predict the effect of missense changes on protein structure and function are either unavailable or do not agree on the potential impact of this missense change (SIFT: "Tolerated"; PolyPhen-2: "Possibly Damaging"; Align-GVGD: "Class C0"). In summary, the available evidence is currently insufficient to determine the role of this variant in disease. Therefore, it has been classified as a Variant of Uncertain Significance. This variant has not been reported in the literature in individuals with SLC12A5-related conditions. This variant is not present in population databases (ExAC no frequency). This sequence change replaces threonine with isoleucine at codon 315 of the SLC12A5 protein (p.Thr315Ile). The threonine residue is moderately conserved and there is a moderate physicochemical difference between threonine and isoleucine.